The following is an entry in ClinVar:

ClinVar aggregate classification (germline): Pathogenic (1 of 4 stars; one submission).

Conditions:
Cardiovascular phenotype. Identifiers: MedGen CN230736.

Submission:

Ambry Genetics
Classification: Pathogenic for Cardiovascular phenotype. Last evaluated: 2026-08-21. Review status: criteria provided, single submitter. Criteria: Ambry Variant Classification Scheme 2023. Collection method: clinical testing. Allele origin: germline.
Comment: The c.596_625del30ins12 pathogenic mutation, located in coding exon 3 of the ALMS1 gene, results from an in-frame deletion of CAGAAAATCAAGTAAAGGAACCCAACAGAG and insertion of 12 nucleotides (AGAGATCTATCT) between nucleotide positions 596 to 625. This results in the insertion of a stop codon at codon 199. This variant is considered to be rare based on population cohorts in the Genome Aggregation Database (gnomAD). This variant is expected to result in loss of function by premature protein truncation or nonsense-mediated mRNA decay. As such, this variant is interpreted as a disease-causing mutation.

NM_001378454.1(ALMS1):c.593_622delinsAGATAGATCTCT (p.Ser198_Asp208delinsTer)

Gene: ALMS1 (ALMS1 centrosome and basal body associated protein; plus strand). Cytogenetic location: 2p13.1.
Variant type: Indel.
Coding change: c.593_622delinsAGATAGATCTCT on transcript NM_001378454.1 (MANE Select); coding-DNA positions 593 to 622, CAGAAAATCAAGTAAAGGAACCCAACAGAG replaced by AGATAGATCTCT.
Protein change: p.Ser198_Asp208delinsTer.
Molecular consequence: nonsense.
Genome position (GRCh38, 1-based): chr2:73,419,265-73,419,294, CAGAAAATCAAGTAAAGGAACCCAACAGAG replaced by AGATAGATCTCT. GRCh37 (hg19): chr2:73,646,393-73,646,422.
Other names: c.596_625delinsAGATAGATCTCT, p.Ser199_Asp209delinsTer (NM_015120.4); c.596_625del30insAGATAGATCTCT (NM_015120.4).
Identifiers: ClinVar variation 5036102 (VCV005036102.1).